The following is an entry in ClinVar:

NM_000094.4(COL7A1):c.7414G>A (p.Gly2472Ser)

Gene: COL7A1 (collagen type VII alpha 1 chain; minus strand). Cytogenetic location: 3p21.31.
Variant type: single nucleotide variant.
Coding change: c.7414G>A on transcript NM_000094.4 (MANE Select); coding-DNA position 7414, G replaced by A.
Protein change: p.Gly2472Ser; replaces glycine 2472 with serine.
Molecular consequence: missense variant.
Genome position (GRCh38, 1-based): chr3:48,570,301, C>T on the plus strand (G>A on the coding strand, the complement: COL7A1 is on the minus strand). VCF-style: chr3-48570301-C-T. GRCh37 (hg19) VCF-style: chr3-48607734-C-T.
Other names: short protein forms G2472S.
Identifiers: ClinVar variation 3339962 (VCV003339962.3).

ClinVar aggregate classification (germline): Conflicting classifications of pathogenicity. Review status: criteria provided, conflicting classifications (1 of 4 stars). 3 submissions from 3 submitters: Likely pathogenic (1); Uncertain significance (2). Last evaluated 2025-04-14.

Conditions:
Recessive dystrophic epidermolysis bullosa (RDEB). Also called: DYSTROPHIC EPIDERMOLYSIS BULLOSA, AUTOSOMAL RECESSIVE; EPIDERMOLYSIS BULLOSA DYSTROPHICA, HALLOPEAU-SIEMENS TYPE; Hallopeau-Siemens Disease; severe generalized recessive dystrophic epidermolysis bullosa; epidermolysis bullosa dystrophica, autosomal recessive; Recessive DEB (RDEB). Identifiers: Orphanet 79408, Orphanet 79409, MedGen C0079474, MONDO:0009179, OMIM 226600.

Submissions (3):

Labcorp Genetics (formerly Invitae), Labcorp
Classification: Uncertain significance. Last evaluated: 2025-04-14. Review status: criteria provided, single submitter. Criteria: Invitae Variant Classification Sherloc (09022015). Collection method: clinical testing. Allele origin: germline.
Comment: This sequence change replaces glycine, which is neutral and non-polar, with serine, which is neutral and polar, at codon 2472 of the COL7A1 protein (p.Gly2472Ser). This variant is not present in population databases (gnomAD no frequency). This variant has not been reported in the literature in individuals affected with COL7A1-related conditions. ClinVar contains an entry for this variant (Variation ID: 3339962). Invitae Evidence Modeling of protein sequence and biophysical properties (such as structural, functional, and spatial information, amino acid conservation, physicochemical variation, residue mobility, and thermodynamic stability) indicates that this missense variant is expected to disrupt COL7A1 protein function with a positive predictive value of 95%. This variant disrupts the triple helix domain of COL7A1. Glycine residues within the Gly-Xaa-Yaa repeats of the triple helix domain are required for the structure and stability of fibrillar collagens (PMID: 7695699, 8218237, 19344236), and variants at these glycine residues in COL7A1 are more frequently observed in individuals with disease than in the general population (PMID: 22058051). However, the clinical significance of this observation remains uncertain since only a limited number of affected individuals have been described to date. This variant disrupts the p.Gly2472 amino acid residue in COL7A1. Other variant(s) that disrupt this residue have been observed in individuals with COL7A1-related conditions (PMID: 16971478, 20555349), which suggests that this may be a clinically significant amino acid residue. In summary, the available evidence is currently insufficient to determine the role of this variant in disease. Therefore, it has been classified as a Variant of Uncertain Significance.

Victorian Clinical Genetics Services, Murdoch Childrens Research Institute
Classification: Likely pathogenic for Recessive dystrophic epidermolysis bullosa. Last evaluated: 2024-10-08. Review status: criteria provided, single submitter. Criteria: ACMG Guidelines, 2015. Collection method: clinical testing. Allele origin: germline. Inheritance: Autosomal recessive inheritance. Affected: no.
Comment: Based on the classification scheme VCGS_Germline_v1.3.4, this variant is classified as Likely Pathogenic. Following criteria are met: 0103 - Dominant negative and loss of function are known mechanisms of disease in this gene and are associated with dystrophic epidermolysis bullosa (DEB) (OMIM, PMID: 31670143). (I) 0108 - This gene is associated with both recessive and dominant disease. The spectrum of DEB associated with this gene can be either dominant or recessive. Dominant inheritance (DDEB; MIM#131750) is typically associated with milder phenotypes, whereas recessive inheritance (RDEB; MIM#226600) is usually observed in more severe cases (OMIM). (I) 0115 - Variants in this gene are known to have variable expressivity. Severity ranges from involving only nails to generalized and severe blistering and scarring (PMID: 31670143). (I) 0200 - Variant is predicted to result in a missense amino acid change from glycine to serine. (I) 0251 - This variant is heterozygous. (I) 0301 - Variant is absent from gnomAD (both v2 and v3). (SP) 0501 - Missense variant consistently predicted to be damaging by multiple in silico tools or highly conserved with a major amino acid change. (SP) 0601 - Variant is located in the well-established functional Gly-X-Y motif within a collagen repeat domain, and affects a glycine residue (DECIPHER). (SP) 0704 - Another missense variant comparable to the one identified in this case has limited previous evidence for pathogenicity. The variant p.(Gly2472Asp) was reported as compound heterozygous with a premature termination codon variant in an indivdual with inversa recessive dystrophic epidermolysis bullosa (RDEB-I) (PMID: 20555349). (SP) 0807 - This variant has no previous evidence of pathogenicity. (I) 0905 - No published segregation evidence has been identified for this variant. (I) 1007 - No published functional evidence has been identified for this variant. (I) 1207 - Parental origin of the variant is unresolved. (I) Legend: (SP) - Supporting pathogenic, (I) - Information, (SB) - Supporting benign

Women's Health and Genetics/Laboratory Corporation of America, LabCorp
Classification: Uncertain significance. Last evaluated: 2024-06-19. Review status: criteria provided, single submitter. Criteria: LabCorp Variant Classification Summary - May 2015. Collection method: clinical testing. Allele origin: germline.

Literature cited by the submitters: PubMed 7695699 (cited by Labcorp Genetics (formerly Invitae), Labcorp); PubMed 8218237 (cited by Labcorp Genetics (formerly Invitae), Labcorp); PubMed 19344236 (cited by Labcorp Genetics (formerly Invitae), Labcorp); PubMed 22058051 (cited by Labcorp Genetics (formerly Invitae), Labcorp); PubMed 16971478 (cited by Labcorp Genetics (formerly Invitae), Labcorp); PubMed 20555349 (cited by Labcorp Genetics (formerly Invitae), Labcorp and Victorian Clinical Genetics Services, Murdoch Childrens Research Institute); PubMed 31670143 (cited by Victorian Clinical Genetics Services, Murdoch Childrens Research Institute).